The following is an entry in ClinVar:

ClinVar aggregate classification (germline): Benign/Likely benign. Review status: criteria provided, multiple submitters, no conflicts (2 of 4 stars). 5 submissions from 5 submitters: Benign (1); Likely benign (4). Last evaluated 2025-12-13.

Conditions:
Familial cancer of breast. Also called: Hereditary breast cancer; BREAST CANCER, FAMILIAL; hereditary breast carcinoma. Identifiers: Orphanet 227535, MedGen C0346153, MONDO:0016419, OMIM 114480. Disease mechanism: loss of function.
Ataxia-telangiectasia syndrome (AT). Also called: Ataxia-telangiectasia, complementation group D; AT, COMPLEMENTATION GROUP C; ATAXIA-TELANGIECTASIA, COMPLEMENTATION GROUP A; ATAXIA-TELANGIECTASIA, FRESNO VARIANT; Ataxia-telangiectasia; LOUIS-BAR SYNDROME. Identifiers: Orphanet 100, MedGen C0004135, MONDO:0008840, OMIM 208900.
Hereditary cancer-predisposing syndrome. Also called: Tumor predisposition; Hereditary neoplastic syndrome; Neoplastic Syndromes, Hereditary; Hereditary Cancer Syndrome. Identifiers: Orphanet 140162, MedGen C0027672, MeSH D009386, MONDO:0015356.

Allele frequency attached by ClinVar (database versions not stated): gnomAD exomes below 0.00001; gnomAD 0.00001.
gnomAD v4.1: 2 of 1,609,718 alleles (0.00012%); highest among the groups gnomAD compares: Non-Finnish European, 0.00017%; no homozygotes.

Submissions (5):

Labcorp Genetics (formerly Invitae), Labcorp
Classification: Likely benign for Ataxia-telangiectasia syndrome. Last evaluated: 2025-12-13. Review status: criteria provided, single submitter. Criteria: Invitae Variant Classification Sherloc (09022015). Collection method: clinical testing. Allele origin: germline.

Myriad Genetics, Inc.
Classification: Benign for Familial cancer of breast. Last evaluated: 2024-06-20. Review status: criteria provided, single submitter. Criteria: Myriad Autosomal Dominant, Autosomal Recessive and X-Linked Classification Criteria (2023). Collection method: clinical testing. Allele origin: unknown.
Comment: This variant is considered benign. This variant is a silent/synonymous amino acid change and it is not expected to impact splicing.

Ambry Genetics
Classification: Likely benign for Hereditary cancer-predisposing syndrome. Last evaluated: 2023-06-01. Review status: criteria provided, single submitter. Criteria: Ambry Variant Classification Scheme 2023. Collection method: clinical testing. Allele origin: germline.

Sema4
Classification: Likely benign for Hereditary cancer-predisposing syndrome. Last evaluated: 2021-11-12. Review status: criteria provided, single submitter. Criteria: Sema4 Curation Guidelines. Collection method: curation. Allele origin: germline.

Color Diagnostics, LLC DBA Color Health
Classification: Likely benign for Hereditary cancer-predisposing syndrome. Last evaluated: 2018-10-02. Review status: criteria provided, single submitter. Criteria: ACMG Guidelines, 2015. Collection method: clinical testing. Allele origin: germline.

NM_000051.4(ATM):c.8676T>A (p.Val2892=)

Genes: ATM (ATM serine/threonine kinase; plus strand), C11orf65 (chromosome 11 open reading frame 65; minus strand). Cytogenetic location: 11q22.3.
Variant type: single nucleotide variant.
Coding change: c.8676T>A on transcript NM_000051.4 (MANE Select); coding-DNA position 8676, T replaced by A.
Protein change: p.Val2892=; no amino-acid change (valine 2892 retained).
Molecular consequence: synonymous variant. On other transcripts: intron variant (2).
Genome position (GRCh38, 1-based): chr11:108,353,770, T>A. VCF-style: chr11-108353770-T-A. GRCh37 (hg19) VCF-style: chr11-108224497-T-A.
Other names: c.8676T>A, p.Val2892= (NM_001351834.2); c.640+32150A>T (NM_001330368.2); c.695-18478A>T (NM_001351110.2).
Identifiers: ClinVar variation 629366 (VCV000629366.10), dbSNP rs1401097446, ClinGen allele CA476673780.